The following is an entry in ClinVar:

NM_001079843.3(CASZ1):c.3849C>T (p.Arg1283=)

Gene: CASZ1 (castor zinc finger 1; minus strand). Cytogenetic location: 1p36.22.
Variant type: single nucleotide variant.
Coding change: c.3849C>T on transcript NM_001079843.3 (MANE Select); coding-DNA position 3849, C replaced by T.
Protein change: p.Arg1283=; no amino-acid change (arginine 1283 retained).
Molecular consequence: synonymous variant.
Genome position (GRCh38, 1-based): chr1:10,644,936, G>A on the plus strand (C>T on the coding strand, the complement: CASZ1 is on the minus strand). VCF-style: chr1-10644936-G-A. GRCh37 (hg19) VCF-style: chr1-10704993-G-A.
Other names: NC_000001.10:g.10704993G>A.
Identifiers: ClinVar variation 4083828 (VCV004083828.10).

ClinVar aggregate classification (germline): Likely benign. Review status: criteria provided, multiple submitters, no conflicts (2 of 4 stars). 2 submissions from 2 submitters: Likely benign (2). Last evaluated 2025-07-01.

gnomAD v4.1: 283 of 1,613,548 alleles (0.018%); highest among the groups gnomAD compares: Middle Eastern, 0.16%; 2 homozygotes.

Submissions (4):

CeGaT Center for Human Genetics Tuebingen
Classification: Likely benign. Last evaluated: 2025-07-01. Review status: criteria provided, single submitter. Criteria: CeGaT Center For Human Genetics Tuebingen Variant Classification Criteria Version 2. Collection method: clinical testing. Allele origin: germline. Affected: yes. Observed: 1 variant allele.
Comment: CASZ1: BS1

Blueprint Genetics
Classification: Likely benign. Last evaluated: 2024-09-19. Review status: criteria provided, single submitter. Criteria: ACMG Guidelines, 2015. Collection method: clinical testing. Allele origin: germline.

Dr. Peter K. Rogan Lab, Western University
No classification provided (evidence only). Condition: Familial cancer of breast. Review status: no classification provided. Collection method: in vitro. Allele origin: not applicable. Functional consequence: retained intron. Not counted in ClinVar's aggregate classification.

Dr. Peter K. Rogan Lab, Western University
No classification provided (evidence only). Condition: Hepatocellular carcinoma. Review status: no classification provided. Collection method: in vitro. Allele origin: not applicable. Functional consequence: retained intron. Not counted in ClinVar's aggregate classification.